The following is an entry in ClinVar:

ClinVar aggregate classification (germline): Likely benign. Review status: criteria provided, single submitter (1 of 4 stars). 2 submissions from 2 submitters: Likely benign (1). 1 of the submissions does not count toward it. Last evaluated 2025-12-17.

Conditions:
KMT2D-related disorder. Also called: KMT2D-Related Disorders.
Kabuki syndrome. Also called: NIIKAWA-KUROKI SYNDROME; Kabuki make-up syndrome. Identifiers: Orphanet 2322, MedGen C0796004, MONDO:0016512.

Allele frequency attached by ClinVar (database versions not stated): gnomAD exomes 0.00002 and 0.00004; ExAC 0.00005; gnomAD 0.00015 and 0.00016; ESP Exome Variant Server 0.00016; TOPMed 0.00017.
gnomAD v4.1: 55 of 1,613,058 alleles (0.0034%); highest among the groups gnomAD compares: African/African-American, 0.057%; no homozygotes.

Submissions (2):

Labcorp Genetics (formerly Invitae), Labcorp
Classification: Likely benign for Kabuki syndrome. Last evaluated: 2025-12-17. Review status: criteria provided, single submitter. Criteria: Invitae Variant Classification Sherloc (09022015). Collection method: clinical testing. Allele origin: germline.

PreventionGenetics, part of Exact Sciences
Classification: Likely benign for KMT2D-related condition. Last evaluated: 2021-09-01. Review status: no assertion criteria provided. Collection method: clinical testing. Allele origin: germline. Not counted in ClinVar's aggregate classification.
Comment: This variant is classified as likely benign based on ACMG/AMP sequence variant interpretation guidelines (Richards et al. 2015 PMID: 25741868, with internal and published modifications).

NM_003482.4(KMT2D):c.12537C>T (p.Leu4179=)

Gene: KMT2D (lysine methyltransferase 2D; minus strand). Cytogenetic location: 12q13.12.
Variant type: single nucleotide variant.
Coding change: c.12537C>T on transcript NM_003482.4 (MANE Select); coding-DNA position 12537, C replaced by T.
Protein change: p.Leu4179=; no amino-acid change (leucine 4179 retained).
Molecular consequence: synonymous variant.
Genome position (GRCh38, 1-based): chr12:49,032,168, G>A on the plus strand (C>T on the coding strand, the complement: KMT2D is on the minus strand). VCF-style: chr12-49032168-G-A. GRCh37 (hg19) VCF-style: chr12-49425951-G-A.
Other names: c.12537C>T (NM_003482.3).
Identifiers: ClinVar variation 1593905 (VCV001593905.10), dbSNP rs374701107, ClinGen allele CA6546191.